The following is an entry in ClinVar:

NM_030962.4(SBF2):c.3731T>C (p.Val1244Ala)

Gene: SBF2 (SET binding factor 2; minus strand). Cytogenetic location: 11p15.4.
Variant type: single nucleotide variant.
Coding change: c.3731T>C on transcript NM_030962.4 (MANE Select); coding-DNA position 3731, T replaced by C.
Protein change: p.Val1244Ala; replaces valine 1244 with alanine.
Molecular consequence: missense variant.
Genome position (GRCh38, 1-based): chr11:9,829,418, A>G on the plus strand (T>C on the coding strand, the complement: SBF2 is on the minus strand). VCF-style: chr11-9829418-A-G. GRCh37 (hg19) VCF-style: chr11-9850965-A-G.
Other names: c.3731T>C, p.Val1244Ala (NM_001386339.1); c.3602T>C, p.Val1201Ala (NM_001386342.1); c.3731T>C (NM_030962.3); short protein forms V1244A, V1201A.
Identifiers: ClinVar variation 1485075 (VCV001485075.4), dbSNP rs757063919, ClinGen allele CA5881179.
Genomic context (GRCh38, chr11:9,829,418, plus strand): 5'-GGAGATAGAGCAAAGGCTGGCCTGACAGTAAGAGTGCTGTTGCCTCTGAGTTTCTGATGG[A>G]CAGAAACAGCATTCAGTAAGGCTTGCAAGTATTTCTCTTGTTCTATGCTACTGGAAGATT-3'
Protein context (NP_112224.1, residues 1234-1254): YLQALLNAVS[Val1244Ala]HQKLRGNSTL

ClinVar aggregate classification (germline): Uncertain significance. Review status: criteria provided, multiple submitters, no conflicts (2 of 4 stars). 2 submissions from 2 submitters: Uncertain significance (2). Last evaluated 2023-12-18.

Conditions:
Inborn genetic diseases. Identifiers: MedGen C0950123, MeSH D030342.
Charcot-Marie-Tooth disease type 4. Also called: Charcot-Marie-Tooth disease, type IV; Charcot-Marie-Tooth, Type 4. Identifiers: Orphanet 64749, MedGen C4082197, MONDO:0018995.

Allele frequency attached by ClinVar (database versions not stated): TOPMed below 0.00001; gnomAD 0.00001; gnomAD exomes 0.00001 and 0.00002; ExAC 0.00002.
gnomAD v4.1: 14 of 1,613,210 alleles (0.00087%); highest among the groups gnomAD compares: South Asian, 0.011%; no homozygotes.

Submissions (2):

Ambry Genetics
Classification: Uncertain significance for Inborn genetic diseases. Last evaluated: 2023-12-18. Review status: criteria provided, single submitter. Criteria: Ambry Variant Classification Scheme 2023. Collection method: clinical testing. Allele origin: germline.

Labcorp Genetics (formerly Invitae), Labcorp
Classification: Uncertain significance for Charcot-Marie-Tooth disease type 4. Last evaluated: 2021-09-05. Review status: criteria provided, single submitter. Criteria: Invitae Variant Classification Sherloc (09022015). Collection method: clinical testing. Allele origin: germline.
Comment: This sequence change replaces valine with alanine at codon 1244 of the SBF2 protein (p.Val1244Ala). The valine residue is moderately conserved and there is a small physicochemical difference between valine and alanine. This variant is present in population databases (rs757063919, ExAC 0.02%). This variant has not been reported in the literature in individuals affected with SBF2-related conditions. Algorithms developed to predict the effect of missense changes on protein structure and function (SIFT, PolyPhen-2, Align-GVGD) all suggest that this variant is likely to be tolerated. In summary, the available evidence is currently insufficient to determine the role of this variant in disease. Therefore, it has been classified as a Variant of Uncertain Significance.